The following is an entry in ClinVar:

NM_006506.5(RASA2):c.2059G>A (p.Ala687Thr)

Gene: RASA2 (RAS p21 protein activator 2; plus strand). Cytogenetic location: 3q23.
Variant type: single nucleotide variant.
Coding change: c.2059G>A on transcript NM_006506.5 (MANE Select); coding-DNA position 2059, G replaced by A.
Protein change: p.Ala687Thr; replaces alanine 687 with threonine.
Molecular consequence: missense variant.
Genome position (GRCh38, 1-based): chr3:141,608,531, G>A. VCF-style: chr3-141608531-G-A. GRCh37 (hg19) VCF-style: chr3-141327373-G-A.
Other names: c.2062G>A, p.Ala688Thr (NM_001303245.3); c.2071G>A, p.Ala691Thr (NM_001303246.3); short protein forms A687T, A688T, A691T.
Identifiers: ClinVar variation 2816442 (VCV002816442.3), dbSNP rs1265126058, ClinGen allele CA354774314.

ClinVar aggregate classification (germline): Uncertain significance (1 of 4 stars; one submission).

Allele frequency attached by ClinVar (database versions not stated): gnomAD exomes below 0.00001.
gnomAD v4.1: 1 of 1,613,900 alleles (0.000062%); highest among the groups gnomAD compares: Non-Finnish European, 0.000085%; no homozygotes.

Submission:

Labcorp Genetics (formerly Invitae), Labcorp
Classification: Uncertain significance. Last evaluated: 2022-11-24. Review status: criteria provided, single submitter. Criteria: Invitae Variant Classification Sherloc (09022015). Collection method: clinical testing. Allele origin: germline.
Comment: This variant is present in population databases (no rsID available, gnomAD 0.0009%). This sequence change replaces alanine, which is neutral and non-polar, with threonine, which is neutral and polar, at codon 687 of the RASA2 protein (p.Ala687Thr). This variant has not been reported in the literature in individuals affected with RASA2-related conditions. In summary, the available evidence is currently insufficient to determine the role of this variant in disease. Therefore, it has been classified as a Variant of Uncertain Significance. Advanced modeling of protein sequence and biophysical properties (such as structural, functional, and spatial information, amino acid conservation, physicochemical variation, residue mobility, and thermodynamic stability) performed at Invitae indicates that this missense variant is not expected to disrupt RASA2 protein function.